The following is an entry in ClinVar:

NM_001166114.2(PNPLA6):c.1751del (p.Ile584fs)

Gene: PNPLA6 (patatin like domain 6, lysophospholipase; plus strand). Cytogenetic location: 19p13.2.
Variant type: Deletion.
Coding change: c.1751del on transcript NM_001166114.2 (MANE Select); coding-DNA position 1751, one base deleted (T; older notation c.1751delT).
Protein change: p.Ile584fs; shifts the reading frame from isoleucine 584.
Molecular consequence: frameshift variant.
Genome position (GRCh38, 1-based): chr19:7,550,049, T deleted. VCF-style (leftmost placement, unchanged base first): chr19-7550048-AT-A. GRCh37 (hg19) VCF-style: chr19-7614934-AT-A.
Other names: c.1778del, p.Ile593fs (NM_001166111.2); c.1556del, p.Ile519fs (NM_001166112.2); c.1634del, p.Ile545fs (NM_001166113.1, NM_006702.5); short protein forms I593fs, I519fs, I545fs, I584fs.
Identifiers: ClinVar variation 1913453 (VCV001913453.5), dbSNP rs770788088, ClinGen allele CA9139916.

ClinVar aggregate classification (germline): Pathogenic (1 of 4 stars; one submission).

Conditions:
Hereditary spastic paraplegia 39 (SPG39). Also called: SPASTIC PARAPLEGIA 39, AUTOSOMAL RECESSIVE; Spastic Paraplegia Type 39 (SPG39). Identifiers: Orphanet 139480, MedGen C2677586, MONDO:0012787, OMIM 612020.

Allele frequency attached by ClinVar (database versions not stated): ExAC 0.00001; gnomAD exomes 0.00002.

Submission:

Labcorp Genetics (formerly Invitae), Labcorp
Classification: Pathogenic for Hereditary spastic paraplegia 39. Last evaluated: 2022-04-06. Review status: criteria provided, single submitter. Criteria: Invitae Variant Classification Sherloc (09022015). Collection method: clinical testing. Allele origin: germline.
Comment: For these reasons, this variant has been classified as Pathogenic. This variant has not been reported in the literature in individuals affected with PNPLA6-related conditions. This variant is present in population databases (rs770788088, gnomAD 0.0009%). This sequence change creates a premature translational stop signal (p.Ile545Thrfs*32) in the PNPLA6 gene. It is expected to result in an absent or disrupted protein product. Loss-of-function variants in PNPLA6 are known to be pathogenic (PMID: 24355708).

Literature cited by the submitters: PubMed 24355708.